The following is an entry in ClinVar:

ClinVar aggregate classification (germline): Benign. Review status: criteria provided, multiple submitters, no conflicts (2 of 4 stars). 3 submissions from 3 submitters: Benign (3). Last evaluated 2026-08-01.

Conditions:
Developmental and epileptic encephalopathy, 77. Also called: GLYCOSYLPHOSPHATIDYLINOSITOL BIOSYNTHESIS DEFECT 19; MULTIPLE CONGENITAL ANOMALIES-HYPOTONIA-SEIZURES SYNDROME 4; EPILEPTIC ENCEPHALOPATHY, EARLY INFANTILE, 77. Identifiers: MedGen C5231405, MONDO:0032808, OMIM 618548.
Epilepsy. Also called: Seizure disorder. Identifiers: MedGen C0014544, MeSH D004827, MONDO:0005027.

Allele frequency attached by ClinVar (database versions not stated): TOPMed 0.00040; gnomAD exomes 0.00078 and 0.00200; gnomAD 0.00084 and 0.00031; ExAC 0.00235; 1000 Genomes Project 30x 0.00609; 1000 Genomes Project 0.00699.
gnomAD v4.1: 1,302 of 1,610,524 alleles (0.081%); highest among the groups gnomAD compares: South Asian, 1.1%; 23 homozygotes.

Submissions (3):

CeGaT Center for Human Genetics Tuebingen
Classification: Benign. Last evaluated: 2026-08-01. Review status: criteria provided, single submitter. Criteria: CeGaT Center For Human Genetics Tuebingen Variant Classification Criteria Version 2. Collection method: clinical testing. Allele origin: germline. Affected: yes. Observed: 2 variant alleles.
Comment: PIGQ: BP4, BS1, BS2

Labcorp Genetics (formerly Invitae), Labcorp
Classification: Benign for Epilepsy. Last evaluated: 2026-01-21. Review status: criteria provided, single submitter. Criteria: Invitae Variant Classification Sherloc (09022015). Collection method: clinical testing. Allele origin: germline.

ARUP Laboratories, Molecular Genetics and Genomics, ARUP Laboratories
Classification: Benign for Developmental and epileptic encephalopathy, 77. Last evaluated: 2024-11-14. Review status: criteria provided, single submitter. Criteria: ARUP Molecular Germline Variant Investigation Process 2024. Collection method: clinical testing. Allele origin: germline.

NM_004204.5(PIGQ):c.322G>A (p.Glu108Lys)

Gene: PIGQ (phosphatidylinositol glycan anchor biosynthesis class Q; plus strand). Cytogenetic location: 16p13.3.
Variant type: single nucleotide variant.
Coding change: c.322G>A on transcript NM_004204.5 (MANE Select); coding-DNA position 322, G replaced by A.
Protein change: p.Glu108Lys; replaces glutamic acid 108 with lysine.
Molecular consequence: missense variant.
Genome position (GRCh38, 1-based): chr16:574,396, G>A. VCF-style: chr16-574396-G-A. GRCh37 (hg19) VCF-style: chr16-624396-G-A.
Other names: c.322G>A, p.Glu108Lys (NM_148920.4); short protein forms E108K.
Identifiers: ClinVar variation 456044 (VCV000456044.21), dbSNP rs200388707, ClinGen allele CA7779835.